The following is an entry in ClinVar:

ClinVar aggregate classification (germline): Likely pathogenic (1 of 4 stars; one submission).

Conditions:
Pyruvate dehydrogenase E1-alpha deficiency (PDHAD). Also called: ATAXIA, INTERMITTENT, WITH PYRUVATE DEHYDROGENASE DEFICIENCY; ATAXIA WITH LACTIC ACIDOSIS I; ATAXIA, INTERMITTENT, WITH ABNORMAL PYRUVATE METABOLISM; Ataxia, intermittent, with pyruvate dehydrogenase, or decarboxylase, deficiency. Identifiers: Orphanet 79243, MedGen C1839413, MONDO:0010717, OMIM 312170.

Submission:

3billion
Classification: Likely pathogenic for Pyruvate dehydrogenase E1-alpha deficiency. Last evaluated: 2022-01-03. Review status: criteria provided, single submitter. Criteria: ACMG Guidelines, 2015. Collection method: clinical testing. Allele origin: germline. Affected: yes. Observed: 1 heterozygote.
Comment: Frameshift: predicted to result in a loss or disruption of normal protein function through nonsense-mediated decay (NMD) or protein truncation. Multiple pathogenic variants are reported downstream of the variant (PVS1_VS). It is not observed in the gnomAD v2.1.1 dataset (PM2_M). Therefore, this variant is classified as likely pathogenic according to the recommendation of ACMG/AMP guideline.

NM_000284.4(PDHA1):c.46del (p.Ser16fs)

Gene: PDHA1 (pyruvate dehydrogenase E1 subunit alpha 1; plus strand). Cytogenetic location: Xp22.12.
Variant type: Deletion.
Coding change: c.46del on transcript NM_000284.4 (MANE Select); coding-DNA position 46, one base deleted (T; older notation c.46delT).
Protein change: p.Ser16fs; shifts the reading frame from serine 16.
Molecular consequence: frameshift variant.
Genome position (GRCh38, 1-based): chrX:19,344,083, T deleted; the last of 2 consecutive T bases (chrX:19,344,082-19,344,083); deleting either gives the same sequence. VCF-style (leftmost placement, unchanged base first): chrX-19344081-CT-C. GRCh37 (hg19) VCF-style: chrX-19362199-CT-C.
Other names: c.46del, p.Ser16fs (NM_001173454.2, NM_001173455.2, NM_001173456.2); short protein forms S16fs.
Identifiers: ClinVar variation 1333508 (VCV001333508.1), dbSNP rs2147168716, ClinGen allele CA2573055205.
Genomic context (GRCh38, chrX:19,344,081, plus strand): 5'-GCCACTGCCTGTGCTTCATGAGGAAGATGCTCGCCGCCGTCTCCCGCGTGCTGTCTGGCG[CT>C]TCTCAGAAGCCGGTGAGACCTCCCGGGCGGGCCGGGATGGGGCGCGAGTGGGGCTGAGGC-3'